The following is an entry in ClinVar:

NM_018191.4(RCBTB1):c.1593C>G (p.Asn531Lys)

Gene: RCBTB1 (RCC1 and BTB domain containing protein 1; minus strand). Cytogenetic location: 13q14.2.
Variant type: single nucleotide variant.
Coding change: c.1593C>G on transcript NM_018191.4 (MANE Select); coding-DNA position 1593, C replaced by G.
Protein change: p.Asn531Lys; replaces asparagine 531 with lysine.
Molecular consequence: missense variant. On other transcripts: non-coding transcript variant (2).
Genome position (GRCh38, 1-based): chr13:49,534,125, G>C on the plus strand (C>G on the coding strand, the complement: RCBTB1 is on the minus strand). VCF-style: chr13-49534125-G-C. GRCh37 (hg19) VCF-style: chr13-50108261-G-C.
Other names: c.1593C>G, p.Asn531Lys (NM_001352500.2, NM_001352501.2, NM_001352502.2 and 1 more transcripts); c.1014C>G, p.Asn338Lys (NM_001352506.2); short protein forms N338K, N531K.
Identifiers: ClinVar variation 1934527 (VCV001934527.2), dbSNP rs777487842, ClinGen allele CA6982524.

ClinVar aggregate classification (germline): Uncertain significance (1 of 4 stars; one submission).

Allele frequency attached by ClinVar (database versions not stated): ExAC 0.00001; TOPMed 0.00001; gnomAD 0.00002.
gnomAD v4.1: 10 of 1,613,612 alleles (0.00062%); highest among the groups gnomAD compares: Admixed American, 0.013%; no homozygotes.

Submission:

Labcorp Genetics (formerly Invitae), Labcorp
Classification: Uncertain significance. Last evaluated: 2022-06-10. Review status: criteria provided, single submitter. Criteria: Invitae Variant Classification Sherloc (09022015). Collection method: clinical testing. Allele origin: germline.
Comment: This sequence change replaces asparagine, which is neutral and polar, with lysine, which is basic and polar, at codon 531 of the RCBTB1 protein (p.Asn531Lys). This variant is present in population databases (rs777487842, gnomAD 0.01%). This variant has not been reported in the literature in individuals affected with RCBTB1-related conditions. Algorithms developed to predict the effect of missense changes on protein structure and function are either unavailable or do not agree on the potential impact of this missense change (SIFT: "Deleterious"; PolyPhen-2: "Probably Damaging"; Align-GVGD: "Class C0"). In summary, the available evidence is currently insufficient to determine the role of this variant in disease. Therefore, it has been classified as a Variant of Uncertain Significance.